The following is an entry in ClinVar:

NM_005186.4(CAPN1):c.1844A>G (p.Asn615Ser)

Genes: CAPN1 (calpain 1; plus strand), LOC126861236 (P300/CBP strongly-dependent group 1 enhancer GRCh37_chr11:64976880-64978079; plus strand). Cytogenetic location: 11q13.1.
Variant type: single nucleotide variant.
Coding change: c.1844A>G on transcript NM_005186.4 (MANE Select); coding-DNA position 1844, A replaced by G.
Protein change: p.Asn615Ser; replaces asparagine 615 with serine.
Molecular consequence: missense variant. On other transcripts: non-coding transcript variant (1).
Genome position (GRCh38, 1-based): chr11:65,209,898, A>G. VCF-style: chr11-65209898-A-G. GRCh37 (hg19) VCF-style: chr11-64977369-A-G.
Other names: c.1844A>G, p.Asn615Ser (NM_001198868.2, NM_001198869.2); c.1682A>G, p.Asn561Ser (NM_001198870.1); short protein forms N615S, N561S.
Identifiers: ClinVar variation 2173806 (VCV002173806.4), dbSNP rs777672981, ClinGen allele CA6093572.
Genomic context (GRCh38, chr11:65,209,898, plus strand): 5'-CGGCCACCCAGCGTGATGGCAATGGGAAGCTGGGCCTGGTGGAGTTCAACATCCTGTGGA[A>G]CCGCATCCGGAATTACCTGGTAGGTTGTCCCCACTCACCTCAGTCATGCAGGTGCGGGCC-3'
Protein context (NP_005177.2, residues 605-625): LGLVEFNILW[Asn615Ser]RIRNYLSIFR

ClinVar aggregate classification (germline): Uncertain significance (1 of 4 stars; one submission).

Allele frequency attached by ClinVar (database versions not stated): gnomAD exomes below 0.00001.
gnomAD v4.1: 2 of 1,613,630 alleles (0.00012%); highest among the groups gnomAD compares: Admixed American, 0.0017%; no homozygotes.

Submission:

Labcorp Genetics (formerly Invitae), Labcorp
Classification: Uncertain significance. Last evaluated: 2023-08-30. Review status: criteria provided, single submitter. Criteria: Invitae Variant Classification Sherloc (09022015). Collection method: clinical testing. Allele origin: germline.
Comment: In summary, the available evidence is currently insufficient to determine the role of this variant in disease. Therefore, it has been classified as a Variant of Uncertain Significance. Advanced modeling of protein sequence and biophysical properties (such as structural, functional, and spatial information, amino acid conservation, physicochemical variation, residue mobility, and thermodynamic stability) performed at Invitae indicates that this missense variant is not expected to disrupt CAPN1 protein function. ClinVar contains an entry for this variant (Variation ID: 2173806). This variant has not been reported in the literature in individuals affected with CAPN1-related conditions. This variant is present in population databases (rs777672981, gnomAD 0.003%). This sequence change replaces asparagine, which is neutral and polar, with serine, which is neutral and polar, at codon 615 of the CAPN1 protein (p.Asn615Ser).